The following is an entry in ClinVar:

NM_002461.3(MVD):c.1085C>T (p.Pro362Leu)

Gene: MVD (mevalonate diphosphate decarboxylase; minus strand). Cytogenetic location: 16q24.2.
Variant type: single nucleotide variant.
Coding change: c.1085C>T on transcript NM_002461.3 (MANE Select); coding-DNA position 1085, C replaced by T.
Protein change: p.Pro362Leu; replaces proline 362 with leucine.
Molecular consequence: missense variant.
Genome position (GRCh38, 1-based): chr16:88,653,337, G>A on the plus strand (C>T on the coding strand, the complement: MVD is on the minus strand). VCF-style: chr16-88653337-G-A. GRCh37 (hg19) VCF-style: chr16-88719745-G-A.
Other names: short protein forms P362L.
Identifiers: ClinVar variation 1050663 (VCV001050663.1), dbSNP rs201844867, ClinGen allele CA8228616.

ClinVar aggregate classification (germline): Uncertain significance (0 of 4 stars; one submission).

Allele frequency attached by ClinVar (database versions not stated): gnomAD 0.00013 and 0.00015.
gnomAD v4.1: 250 of 1,600,368 alleles (0.016%); highest among the groups gnomAD compares: Admixed American, 0.0072%; 2 homozygotes.

Submission:

Department of Pathology and Laboratory Medicine, Sinai Health System
Classification: Uncertain significance. Review status: no assertion criteria provided. Collection method: clinical testing. Allele origin: unknown. Affected: yes. Study: The Canadian Open Genetics Repository (COGR).
Comment: The MVD p.Pro362Leu variant was not identified in the literature nor was it identified in ClinVar. The variant was identified in dbSNP (ID: rs201844867) and in control databases in 71 of 266178 chromosomes at a frequency of 0.0002667 (Genome Aggregation Database March 6, 2019, v2.1.1). The variant was observed in the following populations: Ashkenazi Jewish in 57 of 9592 chromosomes (freq: 0.005942), Other in 2 of 6750 chromosomes (freq: 0.000296), European (non-Finnish) in 10 of 123014 chromosomes (freq: 0.000081), East Asian in 1 of 18628 chromosomes (freq: 0.000054) and South Asian in 1 of 28614 chromosomes (freq: 0.000035), but was not observed in the African, Latino, or European (Finnish) populations. The p.Pro362 residue is not conserved in mammals and computational analyses (PolyPhen-2, SIFT, AlignGVGD, BLOSUM, MutationTaster) provide inconsistent predictions regarding the impact to the protein; this information is not very predictive of pathogenicity. The variant occurs outside of the splicing consensus sequence and in silico or computational prediction software programs (SpliceSiteFinder, MaxEntScan, NNSPLICE, GeneSplicer) do not predict a difference in splicing. In summary, based on the above information the clinical significance of this variant cannot be determined with certainty at this time. This variant is classified as a variant of uncertain significance.